The following is an entry in ClinVar:

NM_006269.2(RP1):c.5555C>T (p.Thr1852Ile)

Genes: RP1 (RP1 axonemal microtubule associated; plus strand), LOC126860392 (CDK7 strongly-dependent group 2 enhancer GRCh37_chr8:55541319-55542518; plus strand). Cytogenetic location: 8q12.1.
Variant type: single nucleotide variant.
Coding change: c.5555C>T on transcript NM_006269.2 (MANE Select); coding-DNA position 5555, C replaced by T.
Protein change: p.Thr1852Ile; replaces threonine 1852 with isoleucine.
Molecular consequence: missense variant. On other transcripts: intron variant (1).
Genome position (GRCh38, 1-based): chr8:54,629,437, C>T. VCF-style: chr8-54629437-C-T. GRCh37 (hg19) VCF-style: chr8-55541997-C-T.
Other names: c.787+7149C>T (NM_001375654.1); short protein forms T1852I.
Identifiers: ClinVar variation 1941998 (VCV001941998.5), dbSNP rs1349259244, ClinGen allele CA370987144.

ClinVar aggregate classification (germline): Uncertain significance (1 of 4 stars; one submission).

Allele frequency attached by ClinVar (database versions not stated): TOPMed 0.00001; gnomAD exomes 0.00002.
gnomAD v4.1: 29 of 1,614,128 alleles (0.0018%); highest among the groups gnomAD compares: Non-Finnish European, 0.0025%; no homozygotes.

Submission:

Labcorp Genetics (formerly Invitae), Labcorp
Classification: Uncertain significance. Last evaluated: 2022-12-28. Review status: criteria provided, single submitter. Criteria: Invitae Variant Classification Sherloc (09022015). Collection method: clinical testing. Allele origin: germline.
Comment: In summary, the available evidence is currently insufficient to determine the role of this variant in disease. Therefore, it has been classified as a Variant of Uncertain Significance. Algorithms developed to predict the effect of missense changes on protein structure and function output the following: SIFT: "Tolerated"; PolyPhen-2: "Benign"; Align-GVGD: "Class C0". The isoleucine amino acid residue is found in multiple mammalian species, which suggests that this missense change does not adversely affect protein function. This variant has not been reported in the literature in individuals affected with RP1-related conditions. This variant is present in population databases (no rsID available, gnomAD 0.007%). This sequence change replaces threonine, which is neutral and polar, with isoleucine, which is neutral and non-polar, at codon 1852 of the RP1 protein (p.Thr1852Ile).